The following is an entry in ClinVar:

NM_001292063.2(OTOG):c.2685G>A (p.Thr895=)

Gene: OTOG (otogelin; plus strand). Cytogenetic location: 11p15.1.
Variant type: single nucleotide variant.
Coding change: c.2685G>A on transcript NM_001292063.2 (MANE Select); coding-DNA position 2685, G replaced by A.
Protein change: p.Thr895=; no amino-acid change (threonine 895 retained).
Molecular consequence: synonymous variant.
Genome position (GRCh38, 1-based): chr11:17,578,452, G>A. VCF-style: chr11-17578452-G-A. GRCh37 (hg19) VCF-style: chr11-17599999-G-A.
Other names: c.2721G>A, p.Thr907= (NM_001277269.2); c.2721G>A (NM_001277269.1).
Identifiers: ClinVar variation 2886003 (VCV002886003.4), dbSNP rs754963879, ClinGen allele CA5905657.

ClinVar aggregate classification (germline): Likely benign. Review status: criteria provided, multiple submitters, no conflicts (2 of 4 stars). 2 submissions from 2 submitters: Likely benign (2). Last evaluated 2025-10-31.

Conditions:
OTOG-related disorder. Also called: OTOG-related condition.

Allele frequency attached by ClinVar (database versions not stated): TOPMed 0.00002; gnomAD 0.00004.
gnomAD v4.1: 58 of 1,541,532 alleles (0.0038%); highest among the groups gnomAD compares: Non-Finnish European, 0.0039%; no homozygotes.

Submissions (2):

PreventionGenetics, part of Exact Sciences
Classification: Likely benign for OTOG-related condition. Last evaluated: 2025-10-31. Review status: criteria provided, single submitter. Criteria: ACMG Guidelines, 2015. Collection method: clinical testing. Allele origin: germline.
Comment: This variant is classified as likely benign based on ACMG/AMP sequence variant interpretation guidelines (Richards et al. 2015 PMID: 25741868, with internal and published modifications).

Labcorp Genetics (formerly Invitae), Labcorp
Classification: Likely benign. Last evaluated: 2025-05-19. Review status: criteria provided, single submitter. Criteria: Invitae Variant Classification Sherloc (09022015). Collection method: clinical testing. Allele origin: germline.